The following is an entry in ClinVar:

NM_017780.4(CHD7):c.7662_7663del (p.Arg2555fs)

Gene: CHD7 (chromodomain helicase DNA binding protein 7; plus strand). Cytogenetic location: 8q12.2.
Variant type: Deletion.
Coding change: c.7662_7663del on transcript NM_017780.4 (MANE Select); coding-DNA positions 7662 to 7663, 2 bases deleted (AA; older notation c.7662_7663delAA).
Protein change: p.Arg2555fs; shifts the reading frame from arginine 2555.
Molecular consequence: frameshift variant. On other transcripts: intron variant (1).
Genome position (GRCh38, 1-based): chr8:60,860,957-60,860,958, AA deleted. VCF-style (leftmost placement, unchanged base first): chr8-60860956-CAA-C. GRCh37 (hg19) VCF-style: chr8-61773515-CAA-C.
Other names: c.1717-1272_1717-1271del (NM_001316690.1); short protein forms R2555fs.
Identifiers: ClinVar variation 4886772 (VCV004886772.1).

ClinVar aggregate classification (germline): Likely pathogenic (1 of 4 stars; one submission).

Conditions:
CHD7-related CHARGE syndrome. Identifiers: MedGen CN380413, MONDO:1010178, OMIM 214800.

Submission:

EVOGEN
Classification: Likely pathogenic for CHD7-related CHARGE syndrome. Last evaluated: 2025-10-29. Review status: criteria provided, single submitter. Criteria: ACMG Guidelines, 2015. Collection method: clinical testing. Allele origin: de novo. Inheritance: Autosomal dominant inheritance. Affected: yes.
Comment: PVS1_Very Strong: Null variant (frame-shift) in gene CHD7, predicted to cause NMD. Loss-of-function is a known mechanism of disease (gene has 819 reported pathogenic LOF variants). The exon contains 32 pathogenic variants. The truncated region contains 93 pathogenic variants. PM2_Supporting: Variant not found in gnomAD genomes, good gnomAD genomes coverage = 31.8. Variant not found in gnomAD exomes, good gnomAD exomes coverage = 30.3.